The following is an entry in ClinVar:

NM_007118.4(TRIO):c.5947G>A (p.Asp1983Asn)

Gene: TRIO (trio Rho guanine nucleotide exchange factor; plus strand). Cytogenetic location: 5p15.2.
Variant type: single nucleotide variant.
Coding change: c.5947G>A on transcript NM_007118.4 (MANE Select); coding-DNA position 5947, G replaced by A.
Protein change: p.Asp1983Asn; replaces aspartic acid 1983 with asparagine.
Molecular consequence: missense variant. On other transcripts: non-coding transcript variant (1).
Genome position (GRCh38, 1-based): chr5:14,472,626, G>A. VCF-style: chr5-14472626-G-A. GRCh37 (hg19) VCF-style: chr5-14472735-G-A.
Other names: short protein forms D1983N.
Identifiers: ClinVar variation 1806106 (VCV001806106.1), dbSNP rs2533573032, ClinGen allele CA359228547.

ClinVar aggregate classification (germline): Uncertain significance (1 of 4 stars; one submission).

Conditions:
Intellectual developmental disorder, autosomal dominant 63, with macrocephaly. Also called: MENTAL RETARDATION, AUTOSOMAL DOMINANT 63, WITH MACROCEPHALY. Identifiers: MedGen C5394205, MONDO:0032939, OMIM 618825.

Allele frequency attached by ClinVar (database versions not stated): gnomAD exomes below 0.00001.
gnomAD v4.1: 1 of 1,614,126 alleles (0.000062%); highest among the groups gnomAD compares: Non-Finnish European, 0.000085%; no homozygotes.

Submission:

Victorian Clinical Genetics Services, Murdoch Childrens Research Institute
Classification: Uncertain significance for Intellectual developmental disorder, autosomal dominant 63, with macrocephaly. Last evaluated: 2020-10-19. Review status: criteria provided, single submitter. Criteria: ACMG Guidelines, 2015. Collection method: clinical testing. Allele origin: germline. Inheritance: Autosomal dominant inheritance.
Comment: Based on the classification scheme VCGS_Germline_v1.3.3, this variant is classified as VUS-3B. Following criteria are met: 0103 - Loss of function and gain of function are known mechanisms of disease in this gene and are associated with intellectual developmental disorder, autosomal dominant 63, with macrocephaly (MIM#618825). Truncating variants result in a loss of function mechanism, while missense have been reported with both loss and gain of function mechanism (PMID: 32109419). (I) 0107 - This gene is associated with autosomal dominant disease. (I) 0200 - Variant is predicted to result in a missense amino acid change from aspartic acid to asparagine. (I) 0251 - This variant is heterozygous. (I) 0301 - Variant is absent from gnomAD (both v2 and v3). (SP) 0502 - Missense variant with conflicting in silico predictions and uninformative conservation. (I) 0600 - Variant is located in the annotated RhoGEF domain (NCBI, PDB). (I) 0705 - No comparable missense variants have previous evidence for pathogenicity. (I) 0807 - This variant has no previous evidence of pathogenicity. (I) 0905 - No published segregation evidence has been identified for this variant. (I) 1007 - No published functional evidence has been identified for this variant. (I) 1208 - Inheritance information for this variant is not currently available in this individual. (I) Legend: (SP) - Supporting pathogenic, (I) - Information, (SB) - Supporting benign

Literature cited by the submitters: PubMed 32109419.